The following is an entry in ClinVar:

ClinVar aggregate classification (germline): Uncertain significance (1 of 4 stars; one submission).

gnomAD v4.1: 2 of 1,538,226 alleles (0.00013%); highest among the groups gnomAD compares: Admixed American, 0.0042%; no homozygotes.

Submission:

Labcorp Genetics (formerly Invitae), Labcorp
Classification: Uncertain significance. Last evaluated: 2022-08-10. Review status: criteria provided, single submitter. Criteria: Invitae Variant Classification Sherloc (09022015). Collection method: clinical testing. Allele origin: germline.
Comment: In summary, the available evidence is currently insufficient to determine the role of this variant in disease. Therefore, it has been classified as a Variant of Uncertain Significance. Algorithms developed to predict the effect of sequence changes on RNA splicing suggest that this variant may disrupt the consensus splice site. Algorithms developed to predict the effect of missense changes on protein structure and function output the following: SIFT: "Tolerated"; PolyPhen-2: "Benign"; Align-GVGD: "Class C0". The serine amino acid residue is found in multiple mammalian species, which suggests that this missense change does not adversely affect protein function. ClinVar contains an entry for this variant (Variation ID: 1434599). This variant has not been reported in the literature in individuals affected with EYS-related conditions. This variant is present in population databases (no rsID available, gnomAD 0.01%). This sequence change replaces alanine, which is neutral and non-polar, with serine, which is neutral and polar, at codon 2537 of the EYS protein (p.Ala2537Ser).

NM_001142800.2(EYS):c.7609G>T (p.Ala2537Ser)

Gene: EYS (eyes shut homolog; minus strand). Cytogenetic location: 6q12.
Variant type: single nucleotide variant.
Coding change: c.7609G>T on transcript NM_001142800.2 (MANE Select); coding-DNA position 7609, G replaced by T.
Protein change: p.Ala2537Ser; replaces alanine 2537 with serine.
Molecular consequence: missense variant.
Genome position (GRCh38, 1-based): chr6:63,788,219, C>A on the plus strand (G>T on the coding strand, the complement: EYS is on the minus strand). VCF-style: chr6-63788219-C-A. GRCh37 (hg19) VCF-style: chr6-64498112-C-A.
Other names: c.7609G>T, p.Ala2537Ser (NM_001292009.2); short protein forms A2537S.
Identifiers: ClinVar variation 1434599 (VCV001434599.7), dbSNP rs189406424, ClinGen allele CA364385483.